The following is an entry in ClinVar:

NM_001378452.1(ITPR1):c.5267T>C (p.Val1756Ala)

Gene: ITPR1 (inositol 1,4,5-trisphosphate receptor type 1; plus strand). Cytogenetic location: 3p26.1.
Variant type: single nucleotide variant.
Coding change: c.5267T>C on transcript NM_001378452.1 (MANE Select); coding-DNA position 5267, T replaced by C.
Protein change: p.Val1756Ala; replaces valine 1756 with alanine.
Molecular consequence: missense variant.
Genome position (GRCh38, 1-based): chr3:4,733,134, T>C. VCF-style: chr3-4733134-T-C. GRCh37 (hg19) VCF-style: chr3-4774818-T-C.
Other names: c.5222T>C (NM_001168272.1); c.5123T>C, p.Val1708Ala (NM_001099952.4); c.5222T>C, p.Val1741Ala (NM_001168272.2); c.5078T>C, p.Val1693Ala (NM_002222.7); short protein forms V1693A, V1708A, V1741A, V1756A.
Identifiers: ClinVar variation 2572724 (VCV002572724.7), dbSNP rs377243043, ClinGen allele CA2232271.
Genomic context (GRCh38, chr3:4,733,134, plus strand): 5'-CTGTTTGAATTAAGGGTGAGGCGCTCAGGCAAGTTCTGGTCAACCGTTACTATGGAAACG[T>C]CAGACCTTCGGGACGAAGAGAGAGCCTTACCAGCTTTGGCAATGGCCCACTGTCAGCAGG-3'
Protein context (NP_001365381.1, residues 1746-1766): QVLVNRYYGN[Val1756Ala]RPSGRRESLT

ClinVar aggregate classification (germline): Uncertain significance. Review status: criteria provided, multiple submitters, no conflicts (2 of 4 stars). 4 submissions from 4 submitters: Uncertain significance (4). Last evaluated 2025-07-29.

Allele frequency attached by ClinVar (database versions not stated): gnomAD 0.00002; TOPMed 0.00003; gnomAD exomes 0.00007; ESP Exome Variant Server 0.00008; ExAC 0.00018.
gnomAD v4.1: 114 of 1,613,764 alleles (0.0071%); highest among the groups gnomAD compares: South Asian, 0.03%; 1 homozygote.

Submissions (4):

Labcorp Genetics (formerly Invitae), Labcorp
Classification: Uncertain significance. Last evaluated: 2025-07-29. Review status: criteria provided, single submitter. Criteria: Invitae Variant Classification Sherloc (09022015). Collection method: clinical testing. Allele origin: germline.
Comment: This sequence change replaces valine, which is neutral and non-polar, with alanine, which is neutral and non-polar, at codon 1693 of the ITPR1 protein (p.Val1693Ala). This variant is present in population databases (rs377243043, gnomAD 0.03%). This variant has not been reported in the literature in individuals affected with ITPR1-related conditions. ClinVar contains an entry for this variant (Variation ID: 2572724). Invitae Evidence Modeling of protein sequence and biophysical properties (such as structural, functional, and spatial information, amino acid conservation, physicochemical variation, residue mobility, and thermodynamic stability) indicates that this missense variant is not expected to disrupt ITPR1 protein function with a negative predictive value of 95%. In summary, the available evidence is currently insufficient to determine the role of this variant in disease. Therefore, it has been classified as a Variant of Uncertain Significance.

Athena Diagnostics
Classification: Uncertain significance. Last evaluated: 2024-03-12. Review status: criteria provided, single submitter. Criteria: Athena Diagnostics Criteria. Collection method: clinical testing. Allele origin: unknown.
Comment: Available data are insufficient to determine the clinical significance of the variant at this time. The frequency of this variant in the general population is higher than would generally be expected for pathogenic variants in this gene. Computational tools predict that this variant is not damaging.

Women's Health and Genetics/Laboratory Corporation of America, LabCorp
Classification: Uncertain significance. Last evaluated: 2024-03-04. Review status: criteria provided, single submitter. Criteria: LabCorp Variant Classification Summary - May 2015. Collection method: clinical testing. Allele origin: germline.
Comment: Variant summary: ITPR1 c.5078T>C (p.Val1693Ala) results in a non-conservative amino acid change in the encoded protein sequence. Three of five in-silico tools predict a benign effect of the variant on protein function. The variant allele was found at a frequency of 0.00011 in 248782 control chromosomes. To our knowledge, no occurrence of c.5078T>C in individuals affected with Spinocerebellar Ataxia 29 and no experimental evidence demonstrating its impact on protein function have been reported. ClinVar contains an entry for this variant (Variation ID: 2572724). Based on the evidence outlined above, the variant was classified as uncertain significance.

GeneDx
Classification: Uncertain significance. Last evaluated: 2023-01-17. Review status: criteria provided, single submitter. Criteria: GeneDx Variant Classification Process June 2021. Collection method: clinical testing. Allele origin: germline. Affected: yes.
Comment: In silico analysis supports that this missense variant does not alter protein structure/function; Has not been previously published as pathogenic or benign to our knowledge